The following is an entry in ClinVar:

NM_002878.4(RAD51D):c.86T>C (p.Val29Ala)

Genes: RAD51L3-RFFL (RAD51L3-RFFL readthrough; minus strand), RAD51D (RAD51 paralog D; minus strand). Cytogenetic location: 17q12.
Variant type: single nucleotide variant.
Coding change: c.86T>C on transcript NM_002878.4 (MANE Select); coding-DNA position 86, T replaced by C.
Protein change: p.Val29Ala; replaces valine 29 with alanine.
Molecular consequence: missense variant. On other transcripts: non-coding transcript variant (2).
Genome position (GRCh38, 1-based): chr17:35,119,169, A>G on the plus strand (T>C on the coding strand, the complement: RAD51D is on the minus strand). VCF-style: chr17-35119169-A-G. GRCh37 (hg19) VCF-style: chr17-33446188-A-G.
Other names: c.86T>C, p.Val29Ala (NM_001142571.2, NM_133629.3); short protein forms V29A.
Identifiers: ClinVar variation 584942 (VCV000584942.13), dbSNP rs1567735899, ClinGen allele CA399092030.

ClinVar aggregate classification (germline): Conflicting classifications of pathogenicity. Review status: criteria provided, conflicting classifications (1 of 4 stars). 4 submissions from 4 submitters: Uncertain significance (3); Likely benign (1). Last evaluated 2024-03-27.

Conditions:
Hereditary cancer-predisposing syndrome. Also called: Tumor predisposition; Neoplastic Syndromes, Hereditary; Hereditary neoplastic syndrome; Hereditary Cancer Syndrome. Identifiers: Orphanet 140162, MedGen C0027672, MeSH D009386, MONDO:0015356.
Hereditary breast ovarian cancer syndrome. Also called: Hereditary breast and ovarian cancer; Breast and ovarian cancer; Hereditary breast and/or ovarian cancer syndrome; BRCA1- and BRCA2-Associated Hereditary Breast and Ovarian Cancer; Hereditary breast and ovarian cancer syndrome; Hereditary breast and ovarian cancer syndrome (HBOC). Identifiers: Orphanet 145, MedGen C0677776, MeSH D061325, MONDO:0003582. Disease mechanism: loss of function.
Breast-ovarian cancer, familial, susceptibility to, 4. Identifiers: Orphanet 145, MedGen C3280345, MONDO:0013669, OMIM 614291.

Allele frequency attached by ClinVar (database versions not stated): gnomAD exomes below 0.00001.
gnomAD v4.1: 1 of 1,613,680 alleles (0.000062%); highest among the groups gnomAD compares: Middle Eastern, 0.016%; no homozygotes.

Submissions (4):

Baylor Genetics
Classification: Uncertain significance for Breast-ovarian cancer, familial, susceptibility to, 4. Last evaluated: 2024-03-27. Review status: criteria provided, single submitter. Criteria: ACMG Guidelines, 2015. Collection method: clinical testing. Allele origin: unknown.

Ambry Genetics
Classification: Likely benign for Hereditary cancer-predisposing syndrome. Last evaluated: 2024-02-26. Review status: criteria provided, single submitter. Criteria: Ambry Variant Classification Scheme 2023. Collection method: clinical testing. Allele origin: germline.

Labcorp Genetics (formerly Invitae), Labcorp
Classification: Uncertain significance for Breast-ovarian cancer, familial, susceptibility to, 4. Last evaluated: 2021-12-09. Review status: criteria provided, single submitter. Criteria: Invitae Variant Classification Sherloc (09022015). Collection method: clinical testing. Allele origin: germline.
Comment: In summary, the available evidence is currently insufficient to determine the role of this variant in disease. Therefore, it has been classified as a Variant of Uncertain Significance. Algorithms developed to predict the effect of missense changes on protein structure and function (SIFT, PolyPhen-2, Align-GVGD) all suggest that this variant is likely to be tolerated. ClinVar contains an entry for this variant (Variation ID: 584942). This variant has not been reported in the literature in individuals affected with RAD51D-related conditions. This variant is not present in population databases (gnomAD no frequency). This sequence change replaces valine, which is neutral and non-polar, with alanine, which is neutral and non-polar, at codon 29 of the RAD51D protein (p.Val29Ala).

Mendelics
Classification: Uncertain significance for Hereditary breast and ovarian cancer syndrome. Last evaluated: 2018-07-02. Review status: criteria provided, single submitter. Criteria: Mendelics Assertion Criteria 2017. Collection method: clinical testing. Allele origin: unknown.

Literature cited by the submitters: PubMed 33606809 (cited by Ambry Genetics).